The following is an entry in ClinVar:

ClinVar aggregate classification (germline): Uncertain significance (1 of 4 stars; one submission).

Conditions:
Familial adenomatous polyposis 1 (FAP1). Also called: POLYPOSIS, ADENOMATOUS INTESTINAL; FAMILIAL ADENOMATOUS POLYPOSIS 1, ATTENUATED. Identifiers: MedGen C2713442, MONDO:0021056, OMIM 175100. Disease mechanism: loss of function.

Submission:

Labcorp Genetics (formerly Invitae), Labcorp
Classification: Uncertain significance for Familial adenomatous polyposis 1. Last evaluated: 2022-03-06. Review status: criteria provided, single submitter. Criteria: Invitae Variant Classification Sherloc (09022015). Collection method: clinical testing. Allele origin: germline.
Comment: In summary, the available evidence is currently insufficient to determine the role of this variant in disease. Therefore, it has been classified as a Variant of Uncertain Significance. Algorithms developed to predict the effect of missense changes on protein structure and function (SIFT, PolyPhen-2, Align-GVGD) all suggest that this variant is likely to be tolerated. This variant has not been reported in the literature in individuals affected with APC-related conditions. This variant is not present in population databases (gnomAD no frequency). This sequence change replaces methionine, which is neutral and non-polar, with leucine, which is neutral and non-polar, at codon 466 of the APC protein (p.Met466Leu).

NM_000038.6(APC):c.1396A>C (p.Met466Leu)

Gene: APC (APC regulator of Wnt signaling pathway; plus strand). Cytogenetic location: 5q22.2.
Variant type: single nucleotide variant.
Coding change: c.1396A>C on transcript NM_000038.6 (MANE Select); coding-DNA position 1396, A replaced by C.
Protein change: p.Met466Leu; replaces methionine 466 with leucine.
Molecular consequence: missense variant.
Genome position (GRCh38, 1-based): chr5:112,821,979, A>C. VCF-style: chr5-112821979-A-C. GRCh37 (hg19) VCF-style: chr5-112157676-A-C.
Other names: c.1396A>C, p.Met466Leu (NM_001127510.3, NM_001354895.2, NM_001354896.2 and 4 more transcripts); c.1342A>C, p.Met448Leu (NM_001127511.3); c.1426A>C, p.Met476Leu (NM_001354897.2, NM_001407446.1); c.1321A>C, p.Met441Leu (NM_001354898.2, NM_001407451.1); c.1312A>C, p.Met438Leu (NM_001354899.2, NM_001407452.1); c.1219A>C, p.Met407Leu (NM_001354900.2, NM_001354901.2, NM_001407453.1); c.1123A>C, p.Met375Leu (NM_001354902.2); c.1093A>C, p.Met365Leu (NM_001354903.2, NM_001407454.1, NM_001407455.1 and 5 more transcripts); and 5 more; short protein forms M466L, M82L, M306L, M340L, M375L, M438L, M476L, M337L.
Identifiers: ClinVar variation 2107469 (VCV002107469.4), dbSNP rs781364007, ClinGen allele CA16024363.